The following is an entry in ClinVar:

NM_001042492.3(NF1):c.975_976insCCT (p.Val325_Lys326insPro)

Gene: NF1 (neurofibromin 1; plus strand). Cytogenetic location: 17q11.2.
Variant type: Insertion.
Coding change: c.975_976insCCT on transcript NM_001042492.3 (MANE Select); coding-DNA positions 975 to 976, CCT inserted.
Protein change: p.Val325_Lys326insPro.
Molecular consequence: inframe insertion. On other transcripts: inframe indel (1).
Genome position: GRCh38 VCF-style: chr17-31200508-C-CCCT. GRCh37 (hg19) VCF-style: chr17-29527526-C-CCCT.
Other names: c.975_976insCCT, p.Val325_Lys326insPro (NM_001128147.3, NM_000267.4).
Identifiers: ClinVar variation 3774564 (VCV003774564.1).

ClinVar aggregate classification (germline): Uncertain significance (1 of 4 stars; one submission).

Conditions:
Neurofibromatosis, type 1 (NF1). Also called: Peripheral type neurofibromatosis; VON RECKLINGHAUSEN DISEASE; NEUROFIBROMATOSIS, TYPE I, SOMATIC; Neurofibromatosis, type I. Identifiers: Orphanet 636, MedGen C0027831, MONDO:0018975, OMIM 162200. Disease mechanism: loss of function.

Submission:

MVZ Medizinische Genetik Mainz
Classification: Uncertain significance for Neurofibromatosis, type 1. Last evaluated: 2025-03-12. Review status: criteria provided, single submitter. Criteria: UK Practice Guidelines For Variant Classification V4 01 2020. Collection method: clinical testing. Allele origin: germline. Inheritance: Autosomal dominant inheritance. Affected: yes. Observed: 1 variant allele.
Comment: ACMG Criteria: PM2_SUP_MOD,PM4_SUP